The following is an entry in ClinVar:

ClinVar aggregate classification (germline): Uncertain significance (1 of 4 stars; one submission).

Conditions:
Koolen-de Vries syndrome (KDVS). Identifiers: Orphanet 96169, MedGen C1864871, MONDO:0012496, OMIM 610443.

Submission:

Labcorp Genetics (formerly Invitae), Labcorp
Classification: Uncertain significance for Koolen-de Vries syndrome. Last evaluated: 2023-05-22. Review status: criteria provided, single submitter. Criteria: Invitae Variant Classification Sherloc (09022015). Collection method: clinical testing. Allele origin: germline.
Comment: In summary, the available evidence is currently insufficient to determine the role of this variant in disease. Therefore, it has been classified as a Variant of Uncertain Significance. Variants that disrupt the consensus splice site are a relatively common cause of aberrant splicing (PMID: 17576681, 9536098). Algorithms developed to predict the effect of sequence changes on RNA splicing suggest that this variant is not likely to affect RNA splicing. This variant has not been reported in the literature in individuals affected with KANSL1-related conditions. This variant is not present in population databases (gnomAD no frequency). This sequence change falls in intron 13 of the KANSL1 gene. It does not directly change the encoded amino acid sequence of the KANSL1 protein. It affects a nucleotide within the consensus splice site.

Literature cited by the submitters: PubMed 17576681; PubMed 9536098.

NM_015443.4(KANSL1):c.2838-3C>T

Gene: KANSL1 (KAT8 regulatory NSL complex subunit 1). Cytogenetic location: 17q21.31.
Variant type: single nucleotide variant.
Coding change: c.2838-3C>T on transcript NM_015443.4 (MANE Select); 3 bases into the intron before coding-DNA position 2838, C replaced by T.
Molecular consequence: intron variant.
Genome position (GRCh38, 1-based): chr17:46,032,302, G>A on the plus strand (C>T on the coding strand, the complement: KANSL1 is on the minus strand). VCF-style: chr17-46032302-G-A. GRCh37 (hg19) VCF-style: chr17-44109668-G-A.
Other names: c.1380-3C>T (NM_001405885.1); c.1383-3C>T (NM_001405884.1); c.1569-3C>T (NM_001405883.1); c.1572-3C>T (NM_001405882.1); c.2733-135C>T (NM_001405881.1); c.2733-3C>T (NM_001405861.1); c.2736-3C>T (NM_001405859.1, NM_001405860.1); c.2646-3C>T (NM_001405879.1, NM_001405880.1); and 4 more.
Identifiers: ClinVar variation 2866805 (VCV002866805.3), dbSNP rs2510373950, ClinGen allele CA2638372574.